The following is an entry in ClinVar:

ClinVar aggregate classification (germline): Uncertain significance (1 of 4 stars; one submission).

gnomAD v4.1: 1 of 1,180,628 alleles (0.000085%); highest among the groups gnomAD compares: Non-Finnish European, 0.00011%; no homozygotes.

Submission:

Greenwood Genetic Center Diagnostic Laboratories, Greenwood Genetic Center
Classification: Uncertain significance. Last evaluated: 2024-02-07. Review status: criteria provided, single submitter. Criteria: ACMG Guidelines, 2015. Collection method: clinical testing. Allele origin: germline. Affected: yes.
Comment: Gene of Uncertain Significance

NM_025184.4(EFHC2):c.1574A>T (p.Asn525Ile)

Gene: EFHC2 (EF-hand domain containing 2; minus strand). Cytogenetic location: Xp11.3.
Variant type: single nucleotide variant.
Coding change: c.1574A>T on transcript NM_025184.4 (MANE Select); coding-DNA position 1574, A replaced by T.
Protein change: p.Asn525Ile; replaces asparagine 525 with isoleucine.
Molecular consequence: missense variant.
Genome position (GRCh38, 1-based): chrX:44,232,527, T>A on the plus strand (A>T on the coding strand, the complement: EFHC2 is on the minus strand). VCF-style: chrX-44232527-T-A. GRCh37 (hg19) VCF-style: chrX-44091773-T-A.
Other names: short protein forms N525I.
Identifiers: ClinVar variation 3235723 (VCV003235723.1), dbSNP rs376768756, ClinGen allele CA413015565.
Genomic context (GRCh38, chrX:44,232,527, plus strand): 5'-CAAAGTAAATTCACCTTATCTGTATTCTGCTCCATGTAGTTTAAGGTATACTCATCAGCA[T>A]TGAGCAAACGAAATAGGTAACCATTCACATTCACCGTGACTCCAATGTACAGCTCCTCGG-3'
Protein context (NP_079460.2, residues 515-535): NVNGYLFRLL[Asn525Ile]ADEYTLNYME